The following is an entry in ClinVar:

NM_004715.5(CTDP1):c.2399A>G (p.Gln800Arg)

Gene: CTDP1 (CTD phosphatase subunit 1; plus strand). Cytogenetic location: 18q23.
Variant type: single nucleotide variant.
Coding change: c.2399A>G on transcript NM_004715.5 (MANE Select); coding-DNA position 2399, A replaced by G.
Protein change: p.Gln800Arg; replaces glutamine 800 with arginine.
Molecular consequence: missense variant.
Genome position (GRCh38, 1-based): chr18:79,717,998, A>G. VCF-style: chr18-79717998-A-G. GRCh37 (hg19) VCF-style: chr18-77477998-A-G.
Other names: c.2042A>G, p.Gln681Arg (NM_001202504.1); c.2399A>G, p.Gln800Arg (NM_001318511.2, NM_048368.4); short protein forms Q681R, Q800R.
Identifiers: ClinVar variation 1976414 (VCV001976414.3), dbSNP rs750173194, ClinGen allele CA9010577.

ClinVar aggregate classification (germline): Uncertain significance. Review status: criteria provided, multiple submitters, no conflicts (2 of 4 stars). 2 submissions from 2 submitters: Uncertain significance (2). Last evaluated 2025-11-03.

Allele frequency attached by ClinVar (database versions not stated): gnomAD exomes 0.00001; gnomAD 0.00002; TOPMed 0.00002; ExAC 0.00003.
gnomAD v4.1: 20 of 1,613,222 alleles (0.0012%); highest among the groups gnomAD compares: Middle Eastern, 0.033%; no homozygotes.

Submissions (2):

Women's Health and Genetics/Laboratory Corporation of America, LabCorp
Classification: Uncertain significance. Last evaluated: 2025-11-03. Review status: criteria provided, single submitter. Criteria: LabCorp Variant Classification Summary - May 2015. Collection method: clinical testing. Allele origin: germline.
Comment: Variant summary: CTDP1 c.2399A>G (p.Gln800Arg) results in a conservative amino acid change in the encoded protein sequence. Algorithms developed to predict the effect of missense changes on protein structure and function all suggest that this variant is likely to be tolerated. The variant allele was found at a frequency of 2e-05 in 249710 control chromosomes. The available data on variant occurrences in the general population are insufficient to allow any conclusion about variant significance. To our knowledge, no occurrence of c.2399A>G in individuals affected with CTDP1-related conditions and no experimental evidence demonstrating its impact on protein function have been reported. ClinVar contains an entry for this variant (Variation ID: 1976414). Based on the evidence outlined above, the variant was classified as uncertain significance.

Labcorp Genetics (formerly Invitae), Labcorp
Classification: Uncertain significance. Last evaluated: 2022-08-16. Review status: criteria provided, single submitter. Criteria: Invitae Variant Classification Sherloc (09022015). Collection method: clinical testing. Allele origin: germline.
Comment: This sequence change replaces glutamine, which is neutral and polar, with arginine, which is basic and polar, at codon 800 of the CTDP1 protein (p.Gln800Arg). This variant is present in population databases (rs750173194, gnomAD 0.005%). This variant has not been reported in the literature in individuals affected with CTDP1-related conditions. Algorithms developed to predict the effect of missense changes on protein structure and function output the following: SIFT: "Tolerated"; PolyPhen-2: "Benign"; Align-GVGD: "Class C0". The arginine amino acid residue is found in multiple mammalian species, which suggests that this missense change does not adversely affect protein function. In summary, the available evidence is currently insufficient to determine the role of this variant in disease. Therefore, it has been classified as a Variant of Uncertain Significance.